The following is an entry in ClinVar:

NM_201384.3(PLEC):c.5186G>A (p.Arg1729Gln)

Gene: PLEC (plectin; minus strand). Cytogenetic location: 8q24.3.
Variant type: single nucleotide variant.
Coding change: c.5186G>A on transcript NM_201384.3 (MANE Select); coding-DNA position 5186, G replaced by A.
Protein change: p.Arg1729Gln; replaces arginine 1729 with glutamine.
Molecular consequence: missense variant.
Genome position (GRCh38, 1-based): chr8:143,924,743, C>T on the plus strand (G>A on the coding strand, the complement: PLEC is on the minus strand). VCF-style: chr8-143924743-C-T. GRCh37 (hg19) VCF-style: chr8-144998911-C-T.
Other names: c.5267G>A, p.Arg1756Gln (NM_000445.5); c.5144G>A, p.Arg1715Gln (NM_201378.4); c.5120G>A, p.Arg1707Gln (NM_201379.3); c.5597G>A, p.Arg1866Gln (NM_201380.4); c.5090G>A, p.Arg1697Gln (NM_201381.3); c.5186G>A, p.Arg1729Gln (NM_201382.4); c.5198G>A, p.Arg1733Gln (NM_201383.3); short protein forms R1733Q, R1756Q, R1707Q, R1866Q, R1697Q, R1715Q, R1729Q.
Identifiers: ClinVar variation 858303 (VCV000858303.10), dbSNP rs781904392, ClinGen allele CA4926403.

ClinVar aggregate classification (germline): Uncertain significance. Review status: criteria provided, multiple submitters, no conflicts (2 of 4 stars). 3 submissions from 3 submitters: Uncertain significance (3). Last evaluated 2026-06-15.

Conditions:
PLEC-related disorder. Also called: PLEC-related condition; PLEC-related disorders.
Autosomal recessive limb-girdle muscular dystrophy type 2Q (LGMDR17). Also called: MUSCULAR DYSTROPHY, LIMB-GIRDLE, AUTOSOMAL RECESSIVE 17. Identifiers: Orphanet 254361, MedGen C3150989, MONDO:0013390, OMIM 613723.
Epidermolysis bullosa simplex, Ogna type (EBS5A). Also called: Pidermolysis bullosa simplex 5A, Ogna type; EPIDERMOLYSIS BULLOSA SIMPLEX 5A, OGNA TYPE. Identifiers: Orphanet 79401, MedGen C0432317, MONDO:0007555, OMIM 131950.
Epidermolysis bullosa simplex with nail dystrophy (EBS5D). Identifiers: MedGen C4225309, MONDO:0014661, OMIM 616487.
Epidermolysis bullosa simplex 5C, with pyloric atresia (EBS5C). Also called: PLEC-Related Epidermolysis Bullosa with Pyloric Atresia; Epidermolysis bullosa simplex with pyloric atresia; PLEC1-Related Epidermolysis Bullosa with Pyloric Atresia. Identifiers: Orphanet 158684, MedGen C2677349, MONDO:0012807, OMIM 612138.
Epidermolysis bullosa simplex 5B, with muscular dystrophy (EBS5B). Also called: EPIDERMOLYSIS BULLOSA SIMPLEX AND LIMB-GIRDLE MUSCULAR DYSTROPHY; Epidermolysis bullosa simplex with muscular dystrophy. Identifiers: Orphanet 257, MedGen C2931072, MONDO:0009181, OMIM 226670.

Allele frequency attached by ClinVar (database versions not stated): ExAC below 0.00001; gnomAD exomes 0.00001 and 0.00002; TOPMed 0.00001.
gnomAD v4.1: 21 of 1,534,510 alleles (0.0014%); highest among the groups gnomAD compares: East Asian, 0.0024%; no homozygotes.

Submissions (3):

PreventionGenetics, part of Exact Sciences
Classification: Uncertain significance for PLEC-related condition. Last evaluated: 2026-06-15. Review status: criteria provided, single submitter. Criteria: ACMG Guidelines, 2015. Collection method: clinical testing. Allele origin: germline.
Comment: The PLEC c.5267G>A variant is predicted to result in the amino acid substitution p.Arg1756Gln. To our knowledge, this variant has not been reported in the literature. This variant is reported in 0.0020% of alleles in individuals of European (Non-Finnish) descent in gnomAD. At this time, the clinical significance of this variant is uncertain due to the absence of conclusive functional and genetic evidence.

Labcorp Genetics (formerly Invitae), Labcorp
Classification: Uncertain significance for Autosomal recessive limb-girdle muscular dystrophy type 2Q; Epidermolysis bullosa simplex, Ogna type; Epidermolysis bullosa simplex with nail dystrophy; Epidermolysis bullosa simplex 5C, with pyloric atresia; Epidermolysis bullosa simplex 5B, with muscular dystrophy. Last evaluated: 2025-11-03. Review status: criteria provided, single submitter. Criteria: Invitae Variant Classification Sherloc (09022015). Collection method: clinical testing. Allele origin: germline.
Comment: This sequence change replaces arginine, which is basic and polar, with glutamine, which is neutral and polar, at codon 1756 of the PLEC protein (p.Arg1756Gln). This variant is present in population databases (rs781904392, gnomAD 0.002%). This variant has not been reported in the literature in individuals affected with PLEC-related conditions. ClinVar contains an entry for this variant (Variation ID: 858303). Experimental studies and prediction algorithms are not available or were not evaluated, and the functional significance of this variant is currently unknown. In summary, the available evidence is currently insufficient to determine the role of this variant in disease. Therefore, it has been classified as a Variant of Uncertain Significance.

Revvity Omics, Revvity
Classification: Uncertain significance. Last evaluated: 2020-10-19. Review status: criteria provided, single submitter. Criteria: ACMG Guidelines, 2015. Collection method: clinical testing. Allele origin: germline.